The following is an entry in ClinVar:

ClinVar aggregate classification (germline): Uncertain significance (1 of 4 stars; one submission).

Conditions:
Mild short stature. Identifiers: MedGen C3150077, HP:0003502.

Submission:

Institute of Human Genetics, University of Leipzig Medical Center
Classification: Uncertain significance for Mild short stature. Last evaluated: 2021-11-09. Review status: criteria provided, single submitter. Criteria: ACMG Guidelines, 2015. Collection method: clinical testing. Allele origin: unknown. Affected: yes.
Comment: _x000D_ Criteria applied: PVS1_MOD, PS4_SUP, PM2_SUP

NM_021625.5(TRPV4):c.2554dup (p.Arg852fs)

Gene: TRPV4 (transient receptor potential cation channel subfamily V member 4; minus strand). Cytogenetic location: 12q24.11.
Variant type: Duplication.
Coding change: c.2554dup on transcript NM_021625.5 (MANE Select); coding-DNA position 2554, one base duplicated (C; older notation c.2554dupC).
Protein change: p.Arg852fs; shifts the reading frame from arginine 852.
Molecular consequence: frameshift variant.
Genome position (GRCh38, 1-based): chr12:109,783,683, G duplicated on the plus strand (C on the coding strand, the reverse complement: TRPV4 is on the minus strand); the first of 5 consecutive G bases (chr12:109,783,683-109,783,687); duplicating any one gives the same sequence. VCF-style (leftmost placement, unchanged base first): chr12-109783682-C-CG. GRCh37 (hg19) VCF-style: chr12-110221487-C-CG.
Other names: c.2370dup, p.Arg792Profs (NM_147204.3); c.2409dup, p.Arg805Profs (NM_001177428.2); c.2448dup, p.Arg818Profs (NM_001177431.2); c.2229dup, p.Arg745Profs (NM_001177433.2); short protein forms R745fs, R792fs, R805fs, R818fs, R852fs.
Identifiers: ClinVar variation 1325827 (VCV001325827.1), dbSNP rs2136412443, ClinGen allele CA2573053594.